The following is an entry in ClinVar:

ClinVar aggregate classification (germline): Uncertain significance. Review status: criteria provided, multiple submitters, no conflicts (2 of 4 stars). 4 submissions from 4 submitters: Uncertain significance (4). Last evaluated 2025-09-05.

Conditions:
Hereditary cancer-predisposing syndrome. Also called: Hereditary neoplastic syndrome; Neoplastic Syndromes, Hereditary; Tumor predisposition; Hereditary Cancer Syndrome. Identifiers: Orphanet 140162, MedGen C0027672, MeSH D009386, MONDO:0015356.
Tuberous sclerosis syndrome (TSC). Also called: Tuberous Sclerosis Complex; Tuberous sclerosis. Identifiers: Orphanet 805, MedGen C0041341, MONDO:0001734.
Tuberous sclerosis 1 (TSC1). Identifiers: Orphanet 805, MedGen C1854465, MONDO:0008612, OMIM 191100.

Allele frequency attached by ClinVar (database versions not stated): gnomAD exomes 0.00001.

Submissions (4):

Color Diagnostics, LLC DBA Color Health
Classification: Uncertain significance for Tuberous sclerosis syndrome. Last evaluated: 2025-09-05. Review status: criteria provided, single submitter. Criteria: ACMG Guidelines, 2015. Collection method: clinical testing. Allele origin: germline.
Comment: This missense variant replaces serine with glycine at codon 777 of the TSC1 protein. Computational prediction suggests that this variant may not impact protein structure and function. To our knowledge, functional studies have not been reported for this variant. This variant has not been reported in individuals affected with TSC1-related disorders in the literature. This variant has not been identified in the general population by the Genome Aggregation Database (gnomAD). The available evidence is insufficient to determine the role of this variant in disease conclusively. Therefore, this variant is classified as a Variant of Uncertain Significance.

Ambry Genetics
Classification: Uncertain significance for Hereditary cancer-predisposing syndrome. Last evaluated: 2025-07-21. Review status: criteria provided, single submitter. Criteria: Ambry Variant Classification Scheme 2023. Collection method: clinical testing. Allele origin: germline.
Comment: The p.S777G variant (also known as c.2329A>G), located in coding exon 16 of the TSC1 gene, results from an A to G substitution at nucleotide position 2329. The serine at codon 777 is replaced by glycine, an amino acid with similar properties. This amino acid position is conserved. In addition, this alteration is predicted to be tolerated by in silico analysis. Based on the available evidence, the clinical significance of this variant remains unclear.

Labcorp Genetics (formerly Invitae), Labcorp
Classification: Uncertain significance for Tuberous sclerosis 1. Last evaluated: 2024-06-05. Review status: criteria provided, single submitter. Criteria: Invitae Variant Classification Sherloc (09022015). Collection method: clinical testing. Allele origin: germline.
Comment: This sequence change replaces serine, which is neutral and polar, with glycine, which is neutral and non-polar, at codon 777 of the TSC1 protein (p.Ser777Gly). This variant is not present in population databases (gnomAD no frequency). This variant has not been reported in the literature in individuals affected with TSC1-related conditions. ClinVar contains an entry for this variant (Variation ID: 466074). Advanced modeling of protein sequence and biophysical properties (such as structural, functional, and spatial information, amino acid conservation, physicochemical variation, residue mobility, and thermodynamic stability) performed at Invitae indicates that this missense variant is not expected to disrupt TSC1 protein function with a negative predictive value of 95%. In summary, the available evidence is currently insufficient to determine the role of this variant in disease. Therefore, it has been classified as a Variant of Uncertain Significance.

GeneDx
Classification: Uncertain significance. Last evaluated: 2024-03-01. Review status: criteria provided, single submitter. Criteria: GeneDx Variant Classification Process June 2021. Collection method: clinical testing. Allele origin: germline. Affected: yes.
Comment: Not observed at significant frequency in large population cohorts (gnomAD); In silico analysis supports that this missense variant does not alter protein structure/function; Has not been previously published as pathogenic or benign to our knowledge; This variant is associated with the following publications: (PMID: 18466115)

NM_000368.5(TSC1):c.2329A>G (p.Ser777Gly)

Gene: TSC1 (TSC complex subunit 1; minus strand). Cytogenetic location: 9q34.13.
Variant type: single nucleotide variant.
Coding change: c.2329A>G on transcript NM_000368.5 (MANE Select); coding-DNA position 2329, A replaced by G.
Protein change: p.Ser777Gly; replaces serine 777 with glycine.
Molecular consequence: missense variant.
Genome position (GRCh38, 1-based): chr9:132,902,667, T>C on the plus strand (A>G on the coding strand, the complement: TSC1 is on the minus strand). VCF-style: chr9-132902667-T-C. GRCh37 (hg19) VCF-style: chr9-135778054-T-C.
Other names: c.2326A>G, p.Ser776Gly (NM_001162426.2); c.2176A>G, p.Ser726Gly (NM_001162427.2); c.1966A>G, p.Ser656Gly (NM_001362177.2); short protein forms S777G, S656G, S726G, S776G.
Identifiers: ClinVar variation 466074 (VCV000466074.12), dbSNP rs1554814968, ClinGen allele CA375359484.
Genomic context (GRCh38, chr9:132,902,667, plus strand): 5'-GTAATTCCTGGCTCTGGTTGTAGAATTCCTCTCGGTCATGCTGCAGCTGTCTGATCTGGC[T>C]GTGGAGCTTGGTTACCATAGTGTCACGCTGCTCCTGGAGCTGATTGTATCTAGCTTGTTC-3'
Protein context (NP_000359.1, residues 767-787): QRDTMVTKLH[Ser777Gly]QIRQLQHDRE